The following is an entry in ClinVar:

ClinVar aggregate classification (germline): Conflicting classifications of pathogenicity. Review status: criteria provided, conflicting classifications (1 of 4 stars). 2 submissions from 2 submitters: Uncertain significance (1); Likely benign (1). Last evaluated 2025-02-12.

Allele frequency attached by ClinVar (database versions not stated): ESP Exome Variant Server 0.00008; gnomAD 0.00003; ExAC 0.00009.

Submissions (2):

Ambry Genetics
Classification: Likely benign. Last evaluated: 2025-02-12. Review status: criteria provided, single submitter. Criteria: Ambry Variant Classification Scheme 2023. Collection method: clinical testing. Allele origin: germline.

Labcorp Genetics (formerly Invitae), Labcorp
Classification: Uncertain significance. Last evaluated: 2024-05-21. Review status: criteria provided, single submitter. Criteria: Invitae Variant Classification Sherloc (09022015). Collection method: clinical testing. Allele origin: germline.
Comment: This sequence change replaces threonine, which is neutral and polar, with methionine, which is neutral and non-polar, at codon 920 of the TNS2 protein (p.Thr920Met). This variant is present in population databases (rs201912170, gnomAD 0.02%). This variant has not been reported in the literature in individuals affected with TNS2-related conditions. ClinVar contains an entry for this variant (Variation ID: 2041756). Algorithms developed to predict the effect of missense changes on protein structure and function output the following: SIFT: "Not Available"; PolyPhen-2: "Benign"; Align-GVGD: "Not Available". The methionine amino acid residue is found in multiple mammalian species, which suggests that this missense change does not adversely affect protein function. In summary, the available evidence is currently insufficient to determine the role of this variant in disease. Therefore, it has been classified as a Variant of Uncertain Significance.

NM_170754.4(TNS2):c.2729C>T (p.Thr910Met)

Gene: TNS2 (tensin 2; plus strand). Cytogenetic location: 12q13.13.
Variant type: single nucleotide variant.
Coding change: c.2729C>T on transcript NM_170754.4 (MANE Select); coding-DNA position 2729, C replaced by T.
Protein change: p.Thr910Met; replaces threonine 910 with methionine.
Molecular consequence: missense variant.
Genome position (GRCh38, 1-based): chr12:53,060,516, C>T. VCF-style: chr12-53060516-C-T. GRCh37 (hg19) VCF-style: chr12-53454300-C-T.
Other names: c.2729C>T, p.Thr910Met (NM_001416202.1); c.2687C>T, p.Thr896Met (NM_001416203.1); c.2756C>T, p.Thr919Met (NM_001416204.1); c.2660C>T, p.Thr887Met (NM_015319.3); c.2357C>T, p.Thr786Met (NM_198316.2); short protein forms T910M, T920M, T786M, T887M, T896M, T919M.
Identifiers: ClinVar variation 2041756 (VCV002041756.5), dbSNP rs201912170, ClinGen allele CA6592667.